The following is an entry in ClinVar:

ClinVar aggregate classification (germline): Uncertain significance. Review status: reviewed by expert panel (3 of 4 stars). 3 submissions from 3 submitters: Uncertain significance (1). 2 of the submissions do not count toward it. Last evaluated 2024-09-16.

Conditions:
Inborn genetic diseases. Identifiers: MedGen C0950123, MeSH D030342.
Hereditary thrombocytopenia and hematological cancer predisposition syndrome associated with RUNX1. Also called: Familial Platelet Disorder with Propensity to Acute Myelogenous Leukemia; Familial thrombocytopenia with propensity to acute myelogenous leukemia; RUNX1 Familial Platelet Disorder with Associated Myeloid Malignancies; PLATELET DISORDER, ASPIRIN-LIKE. Identifiers: Orphanet 71290, MedGen C1832388, MeSH C563324, MONDO:0100083, OMIM 601399.
Hereditary thrombocytopenia and hematologic cancer predisposition syndrome. Identifiers: Orphanet 71290, MedGen CN281654, MONDO:0011071.

Submissions (3):

ClinGen Myeloid Malignancy Variant Curation Expert Panel
Classification: Uncertain significance for Hereditary thrombocytopenia and hematologic cancer predisposition syndrome. Last evaluated: 2024-09-16. Review status: reviewed by expert panel. Criteria: ClinGen MyeloMalig ACMG Specifications v2. Collection method: curation. Allele origin: germline. Inheritance: Autosomal dominant inheritance.
Comment: NM_001754.5(RUNX1):c.349A>G (p.Lys117Glu) is a missense variant which has a REVEL score ≥ 0.88 (0.95) (PP3). This missense variant is located within the Runt Homology Domain (AA 89-204), but does not occur in an established hotspot residue (PM1_supporting). This variant is completely absent from all population databases with at least 20x coverage for RUNX1 (PM2_supporting). In summary, the clinical significance of this variant is uncertain. ACMG/AMP criteria applied, as specified by the Myeloid Malignancy Variant Curation Expert Panel for RUNX1: PP3, PM1_supporting, PM2_supporting.

Ambry Genetics
Classification: Uncertain significance for Inborn genetic diseases. Last evaluated: 2025-10-05. Review status: criteria provided, single submitter. Criteria: Ambry Variant Classification Scheme 2023. Collection method: clinical testing. Allele origin: germline. Not counted in ClinVar's aggregate classification.
Comment: The p.K117E variant (also known as c.349A>G), located in coding exon 3 of the RUNX1 gene, results from an A to G substitution at nucleotide position 349. The lysine at codon 117 is replaced by glutamic acid, an amino acid with similar properties. This amino acid position is conserved. In addition, this alteration is predicted to be deleterious by in silico analysis. Based on the available evidence, the clinical significance of this variant remains unclear.

Labcorp Genetics (formerly Invitae), Labcorp
Classification: Uncertain significance for Hereditary thrombocytopenia and hematological cancer predisposition syndrome associated with RUNX1. Last evaluated: 2021-07-09. Review status: criteria provided, single submitter. Criteria: Invitae Variant Classification Sherloc (09022015). Collection method: clinical testing. Allele origin: germline. Not counted in ClinVar's aggregate classification.
Comment: This sequence change replaces lysine with glutamic acid at codon 117 of the RUNX1 protein (p.Lys117Glu). The lysine residue is moderately conserved and there is a small physicochemical difference between lysine and glutamic acid. This variant is not present in population databases (ExAC no frequency). This variant has not been reported in the literature in individuals affected with RUNX1-related conditions. Algorithms developed to predict the effect of missense changes on protein structure and function are either unavailable or do not agree on the potential impact of this missense change (SIFT: "Tolerated"; PolyPhen-2: "Possibly Damaging"; Align-GVGD: "Class C0"). In summary, the available evidence is currently insufficient to determine the role of this variant in disease. Therefore, it has been classified as a Variant of Uncertain Significance.

NM_001754.5(RUNX1):c.349A>G (p.Lys117Glu)

Gene: RUNX1 (RUNX family transcription factor 1; minus strand). Cytogenetic location: 21q22.12.
Variant type: single nucleotide variant.
Coding change: c.349A>G on transcript NM_001754.5 (MANE Select); coding-DNA position 349, A replaced by G.
Protein change: p.Lys117Glu; replaces lysine 117 with glutamic acid.
Molecular consequence: missense variant.
Genome position (GRCh38, 1-based): chr21:34,886,845, T>C on the plus strand (A>G on the coding strand, the complement: RUNX1 is on the minus strand). VCF-style: chr21-34886845-T-C. GRCh37 (hg19) VCF-style: chr21-36259142-T-C.
Other names: NM_001754.5(RUNX1):c.349A>G; p.Lys117Glu; c.349A>G (NM_001754.4); c.268A>G, p.Lys90Glu (NM_001001890.3, NM_001122607.2); short protein forms K90E, K117E.
Identifiers: ClinVar variation 1438740 (VCV001438740.10), dbSNP rs2146407735, ClinGen allele CA410203349.